The following is an entry in ClinVar:

ClinVar aggregate classification (germline): Likely benign. Review status: criteria provided, multiple submitters, no conflicts (2 of 4 stars). 2 submissions from 2 submitters: Likely benign (2). Last evaluated 2026-04-01.

gnomAD v4.1: 19 of 1,585,548 alleles (0.0012%); highest among the groups gnomAD compares: Non-Finnish European, 0.0015%; no homozygotes.

Submissions (2):

CeGaT Center for Human Genetics Tuebingen
Classification: Likely benign. Last evaluated: 2026-04-01. Review status: criteria provided, single submitter. Criteria: CeGaT Center For Human Genetics Tuebingen Variant Classification Criteria Version 2. Collection method: clinical testing. Allele origin: germline. Affected: yes. Observed: 1 variant allele.
Comment: RERE: BP4, BP7

Labcorp Genetics (formerly Invitae), Labcorp
Classification: Likely benign. Last evaluated: 2025-12-25. Review status: criteria provided, single submitter. Criteria: Invitae Variant Classification Sherloc (09022015). Collection method: clinical testing. Allele origin: germline.

NM_001042681.2(RERE):c.3882C>T (p.Asn1294=)

Gene: RERE (arginine-glutamic acid dipeptide repeats; minus strand). Cytogenetic location: 1p36.23.
Variant type: single nucleotide variant.
Coding change: c.3882C>T on transcript NM_001042681.2 (MANE Select); coding-DNA position 3882, C replaced by T.
Protein change: p.Asn1294=; no amino-acid change (asparagine 1294 retained).
Molecular consequence: synonymous variant.
Genome position (GRCh38, 1-based): chr1:8,358,653, G>A on the plus strand (C>T on the coding strand, the complement: RERE is on the minus strand). VCF-style: chr1-8358653-G-A. GRCh37 (hg19) VCF-style: chr1-8418713-G-A.
Other names: c.2220C>T, p.Asn740= (NM_001042682.2); c.3882C>T, p.Asn1294= (NM_012102.4).
Identifiers: ClinVar variation 4692782 (VCV004692782.3).